The following is an entry in ClinVar:

ClinVar aggregate classification (germline): Conflicting classifications of pathogenicity. Review status: criteria provided, conflicting classifications (1 of 4 stars). 5 submissions from 5 submitters: Pathogenic (1); Likely pathogenic (2); Uncertain significance (1). 1 of the submissions does not count toward it. Last evaluated 2026-09-02.

Conditions:
Parenti-mignot neurodevelopmental syndrome. Identifiers: MedGen C5676984, MONDO:0859249, OMIM 619873.
Seizure. Also called: Seizures. Identifiers: MedGen C0036572, HP:0001250.
Inborn genetic diseases. Identifiers: MedGen C0950123, MeSH D030342.

gnomAD v4.1: 2 of 1,608,952 alleles (0.00012%); highest among the groups gnomAD compares: Non-Finnish European, 0.00017%; no homozygotes.

Submissions (5):

Ambry Genetics
Classification: Uncertain significance for Inborn genetic diseases. Last evaluated: 2026-09-02. Review status: criteria provided, single submitter. Criteria: Ambry Variant Classification Scheme 2023. Collection method: clinical testing. Allele origin: germline.
Comment: The c.940G>T (p.E314*) alteration, located in exon 7 (coding exon 7) of the CHD5 gene, consists of a G to T substitution at nucleotide position 940. This changes the amino acid from a glutamic acid (E) to a stop codon at amino acid position 314. However, loss of function of CHD5 has not been established as a mechanism of disease. This variant was not reported in population-based cohorts in the Genome Aggregation Database (gnomAD). This variant was reported in individual(s) with features consistent with CHD5-related neurodevelopmental disorder (Parenti, 2021). Based on insufficient or conflicting evidence, the clinical significance of this alteration remains unclear.

GeneDx
Classification: Pathogenic. Last evaluated: 2025-10-28. Review status: criteria provided, single submitter. Criteria: GeneDx Variant Classification Process June 2021. Collection method: clinical testing. Allele origin: germline. Affected: yes.
Comment: Nonsense variant predicted to result in protein truncation or nonsense mediated decay in a gene for which loss of function is a known mechanism of disease; Not observed at significant frequency in large population cohorts (gnomAD); This variant is associated with the following publications: (PMID: 33944996)

Pittsburgh Clinical Genomics Laboratory, University of Pittsburgh Medical Center
Classification: Likely pathogenic for Parenti-mignot neurodevelopmental syndrome. Last evaluated: 2024-05-17. Review status: criteria provided, single submitter. Criteria: ACMG Guidelines, 2015. Collection method: clinical testing. Allele origin: germline. Inheritance: Autosomal dominant inheritance. Affected: yes.
Comment: This sequence variant is a single nucleotide substitution (G>T) at position 940 of the coding sequence of the CHD5 gene that replaces Glu314 with an early termination codon. As it occurs in exon 7 of 42, this variant is predicted to generate a non-functional allele through either the expression of a truncated protein or a loss of CHD5-encoded chromodomain helicase DNA binding protein 5 expression due to nonsense-mediated decay. This is a previously reported variant (ClinVar 995777) that has been observed in a family with intellectual disability and/or craniosynostosis (PMID: 33944996). This variant is present in 2 of 1608952 alleles (0.00012%) in the gnomAD v4.1.0 population dataset. Haploinsufficiency in CHD5 is likely to be disease-causing (PMID: 33944996). Based upon the evidence, we consider this variant to be likely pathogenic. ACMG Criteria: PM2, PVS1

Institute for Human Genetics, University Hospital Essen
Classification: Likely pathogenic for Seizure. Last evaluated: 2021-01-18. Review status: criteria provided, single submitter. Criteria: ACMG Guidelines, 2015. Collection method: research. Allele origin: inherited. Affected: yes.

OMIM
Classification: Pathogenic for PARENTI-MIGNOT NEURODEVELOPMENTAL SYNDROME. Last evaluated: 2022-05-07. Review status: no assertion criteria provided. Collection method: literature only. Allele origin: germline. Not counted in ClinVar's aggregate classification.

Literature cited by the submitters: PubMed 33944996 (cited by 4 submitters).

NM_015557.3(CHD5):c.940G>T (p.Glu314Ter)

Gene: CHD5 (chromodomain helicase DNA binding protein 5; minus strand). Cytogenetic location: 1p36.31.
Variant type: single nucleotide variant.
Coding change: c.940G>T on transcript NM_015557.3 (MANE Select); coding-DNA position 940, G replaced by T.
Protein change: p.Glu314Ter; replaces glutamic acid 314 with a stop codon.
Molecular consequence: nonsense.
Genome position (GRCh38, 1-based): chr1:6,151,086, C>A on the plus strand (G>T on the coding strand, the complement: CHD5 is on the minus strand). VCF-style: chr1-6151086-C-A. GRCh37 (hg19) VCF-style: chr1-6211146-C-A.
Other names: c.940G>T (NM_015557.2); short protein forms E314*.
Identifiers: ClinVar variation 995777 (VCV000995777.8), dbSNP rs754586094, ClinGen allele CA338086315.